The following is an entry in ClinVar:

NM_001184.4(ATR):c.190A>T (p.Thr64Ser)

Gene: ATR (ATR checkpoint kinase; minus strand). Cytogenetic location: 3q23.
Variant type: single nucleotide variant.
Coding change: c.190A>T on transcript NM_001184.4 (MANE Select); coding-DNA position 190, A replaced by T.
Protein change: p.Thr64Ser; replaces threonine 64 with serine.
Molecular consequence: missense variant.
Genome position (GRCh38, 1-based): chr3:142,566,223, T>A on the plus strand (A>T on the coding strand, the complement: ATR is on the minus strand). VCF-style: chr3-142566223-T-A. GRCh37 (hg19) VCF-style: chr3-142285065-T-A.
Other names: c.190A>T, p.Thr64Ser (NM_001354579.2); short protein forms T64S.
Identifiers: ClinVar variation 1782470 (VCV001782470.2), dbSNP rs35306038, ClinGen allele CA354828645.

ClinVar aggregate classification (germline): Uncertain significance (1 of 4 stars; one submission).

Conditions:
Inborn genetic diseases. Identifiers: MedGen C0950123, MeSH D030342.

Submission:

Ambry Genetics
Classification: Uncertain significance for Inborn genetic diseases. Last evaluated: 2021-06-23. Review status: criteria provided, single submitter. Criteria: Ambry Variant Classification Scheme 2023. Collection method: clinical testing. Allele origin: germline.
Comment: The p.T64S variant (also known as c.190A>T), located in coding exon 3 of the ATR gene, results from an A to T substitution at nucleotide position 190. The threonine at codon 64 is replaced by serine, an amino acid with similar properties. This amino acid position is conserved. In addition, this alteration is predicted to be tolerated by in silico analysis. Since supporting evidence is limited at this time, the clinical significance of this alteration remains unclear.